The following is an entry in ClinVar:

ClinVar aggregate classification (germline): Uncertain significance (1 of 4 stars; one submission).

Submission:

Labcorp Genetics (formerly Invitae), Labcorp
Classification: Uncertain significance. Last evaluated: 2022-07-26. Review status: criteria provided, single submitter. Criteria: Invitae Variant Classification Sherloc (09022015). Collection method: clinical testing. Allele origin: germline.
Comment: In summary, the available evidence is currently insufficient to determine the role of this variant in disease. Therefore, it has been classified as a Variant of Uncertain Significance. Algorithms developed to predict the effect of missense changes on protein structure and function are either unavailable or do not agree on the potential impact of this missense change (SIFT: "Deleterious"; PolyPhen-2: "Possibly Damaging"; Align-GVGD: "Class C0"). This variant has not been reported in the literature in individuals affected with KPNA7-related conditions. This variant is not present in population databases (gnomAD no frequency). This sequence change replaces isoleucine, which is neutral and non-polar, with phenylalanine, which is neutral and non-polar, at codon 115 of the KPNA7 protein (p.Ile115Phe).

NM_001145715.3(KPNA7):c.343A>T (p.Ile115Phe)

Gene: KPNA7 (karyopherin subunit alpha 7; minus strand). Cytogenetic location: 7q22.1.
Variant type: single nucleotide variant.
Coding change: c.343A>T on transcript NM_001145715.3 (MANE Select); coding-DNA position 343, A replaced by T.
Protein change: p.Ile115Phe; replaces isoleucine 115 with phenylalanine.
Molecular consequence: missense variant.
Genome position (GRCh38, 1-based): chr7:99,195,280, T>A on the plus strand (A>T on the coding strand, the complement: KPNA7 is on the minus strand). VCF-style: chr7-99195280-T-A. GRCh37 (hg19) VCF-style: chr7-98792903-T-A.
Other names: short protein forms I115F.
Identifiers: ClinVar variation 2085413 (VCV002085413.4), dbSNP rs2535522354, ClinGen allele CA368420762.